The following is an entry in ClinVar:

NM_001042492.3(NF1):c.1548C>G (p.Pro516=)

Gene: NF1 (neurofibromin 1; plus strand). Cytogenetic location: 17q11.2.
Variant type: single nucleotide variant.
Coding change: c.1548C>G on transcript NM_001042492.3 (MANE Select); coding-DNA position 1548, C replaced by G.
Protein change: p.Pro516=; no amino-acid change (proline 516 retained).
Molecular consequence: synonymous variant.
Genome position (GRCh38, 1-based): chr17:31,219,025, C>G. VCF-style: chr17-31219025-C-G. GRCh37 (hg19) VCF-style: chr17-29546043-C-G.
Other names: c.1548C>G, p.Pro516= (NM_000267.4, NM_001128147.3).
Identifiers: ClinVar variation 215709 (VCV000215709.21), dbSNP rs768883989, ClinGen allele CA338131.

ClinVar aggregate classification (germline): Benign/Likely benign. Review status: criteria provided, multiple submitters, no conflicts (2 of 4 stars). 8 submissions from 8 submitters: Benign (1); Likely benign (7). Last evaluated 2026-05-15.

Conditions:
NF1-related disorder. Also called: NF1-related condition. Identifiers: MedGen CN379171.
Hereditary cancer-predisposing syndrome. Also called: Tumor predisposition; Neoplastic Syndromes, Hereditary; Hereditary Cancer Syndrome; Hereditary neoplastic syndrome. Identifiers: Orphanet 140162, MedGen C0027672, MeSH D009386, MONDO:0015356.
Neurofibromatosis, type 1 (NF1). Also called: NEUROFIBROMATOSIS, TYPE I, SOMATIC; Peripheral type neurofibromatosis; Neurofibromatosis, type I; VON RECKLINGHAUSEN DISEASE. Identifiers: Orphanet 636, MedGen C0027831, MONDO:0018975, OMIM 162200. Disease mechanism: loss of function.

Allele frequency attached by ClinVar (database versions not stated): TOPMed 0.00001; gnomAD 0.00003.
gnomAD v4.1: 15 of 1,613,222 alleles (0.00093%); highest among the groups gnomAD compares: Admixed American, 0.0017%; no homozygotes.

Submissions (8):

Myriad Genetics, Inc.
Classification: Benign for Neurofibromatosis, type 1. Last evaluated: 2026-05-15. Review status: criteria provided, single submitter. Criteria: Myriad Autosomal Dominant, Autosomal Recessive and X-Linked Classification Criteria (2023). Collection method: clinical testing. Allele origin: unknown.
Comment: This variant is considered benign. This variant is a silent/synonymous amino acid change and it is not expected to impact splicing.

PreventionGenetics, part of Exact Sciences
Classification: Likely benign for NF1-related condition. Last evaluated: 2026-05-13. Review status: criteria provided, single submitter. Criteria: ACMG Guidelines, 2015. Collection method: clinical testing. Allele origin: germline.
Comment: This variant is classified as likely benign based on ACMG/AMP sequence variant interpretation guidelines (Richards et al. 2015 PMID: 25741868, with internal and published modifications).

Labcorp Genetics (formerly Invitae), Labcorp
Classification: Likely benign for Neurofibromatosis, type 1. Last evaluated: 2025-12-08. Review status: criteria provided, single submitter. Criteria: Invitae Variant Classification Sherloc (09022015). Collection method: clinical testing. Allele origin: germline.

CeGaT Center for Human Genetics Tuebingen
Classification: Likely benign. Last evaluated: 2025-12-01. Review status: criteria provided, single submitter. Criteria: CeGaT Center For Human Genetics Tuebingen Variant Classification Criteria Version 2. Collection method: clinical testing. Allele origin: germline. Affected: yes. Observed: 1 variant allele.
Comment: NF1: BP4, BP7

Blueprint Genetics
Classification: Likely benign. Last evaluated: 2023-02-18. Review status: criteria provided, single submitter. Criteria: ACMG Guidelines, 2015. Collection method: clinical testing. Allele origin: germline.

Genome-Nilou Lab
Classification: Likely benign for Neurofibromatosis, type 1. Last evaluated: 2022-03-15. Review status: criteria provided, single submitter. Criteria: ACMG Guidelines, 2015. Collection method: clinical testing. Allele origin: germline. Affected: no.

GeneDx
Classification: Likely benign. Last evaluated: 2019-09-30. Review status: criteria provided, single submitter. Criteria: GeneDx Variant Classification Process June 2021. Collection method: clinical testing. Allele origin: germline. Affected: yes.

Ambry Genetics
Classification: Likely benign for Hereditary cancer-predisposing syndrome. Last evaluated: 2015-05-21. Review status: criteria provided, single submitter. Criteria: Ambry Autosomal Dominant and X-Linked criteria (10/2015). Collection method: clinical testing. Allele origin: germline. Observed: 1 variant allele.